The following is an entry in ClinVar:

NM_194248.3(OTOF):c.40C>T (p.Arg14Trp)

Gene: OTOF (otoferlin; minus strand). Cytogenetic location: 2p23.3.
Variant type: single nucleotide variant.
Coding change: c.40C>T on transcript NM_194248.3 (MANE Select); coding-DNA position 40, C replaced by T.
Protein change: p.Arg14Trp; replaces arginine 14 with tryptophan.
Molecular consequence: missense variant.
Genome position (GRCh38, 1-based): chr2:26,558,532, G>A on the plus strand (C>T on the coding strand, the complement: OTOF is on the minus strand). VCF-style: chr2-26558532-G-A. GRCh37 (hg19) VCF-style: chr2-26781400-G-A.
Other names: c.40C>T, p.Arg14Trp (NM_001287489.2); c.40C>T (NM_194248.2); short protein forms R14W.
Identifiers: ClinVar variation 593112 (VCV000593112.14), dbSNP rs774530840, ClinGen allele CA1564844.

ClinVar aggregate classification (germline): Conflicting classifications of pathogenicity. Review status: criteria provided, conflicting classifications (1 of 4 stars). 5 submissions from 5 submitters: Uncertain significance (3); Likely benign (1). 1 of the submissions does not count toward it. Last evaluated 2025-12-14.

Conditions:
Inborn genetic diseases. Identifiers: MedGen C0950123, MeSH D030342.

Allele frequency attached by ClinVar (database versions not stated): gnomAD 0.00005 and 0.00003; ExAC 0.00010; 1000 Genomes Project 30x 0.00016; TOPMed 0.00002; gnomAD exomes 0.00006 and 0.00010.
gnomAD v4.1: 104 of 1,613,898 alleles (0.0064%); highest among the groups gnomAD compares: South Asian, 0.083%; no homozygotes.

Submissions (5):

Labcorp Genetics (formerly Invitae), Labcorp
Classification: Likely benign. Last evaluated: 2025-12-14. Review status: criteria provided, single submitter. Criteria: Invitae Variant Classification Sherloc (09022015). Collection method: clinical testing. Allele origin: germline.

Ambry Genetics
Classification: Uncertain significance for Inborn genetic diseases. Last evaluated: 2025-06-10. Review status: criteria provided, single submitter. Criteria: Ambry Variant Classification Scheme 2023. Collection method: clinical testing. Allele origin: germline.

GeneDx
Classification: Uncertain significance. Last evaluated: 2022-08-19. Review status: criteria provided, single submitter. Criteria: GeneDx Variant Classification Process June 2021. Collection method: clinical testing. Allele origin: germline. Affected: yes.
Comment: In silico analysis supports that this missense variant has a deleterious effect on protein structure/function; Has not been previously published as pathogenic or benign to our knowledge

Eurofins Ntd Llc (ga)
Classification: Uncertain significance. Last evaluated: 2017-07-25. Review status: criteria provided, single submitter. Criteria: EGL Classification Definitions 2015. Collection method: clinical testing. Allele origin: germline. Observed: 1 variant allele, 1 heterozygote.

Department of Pathology and Laboratory Medicine, Sinai Health System
Classification: Uncertain significance. Review status: no assertion criteria provided. Collection method: clinical testing. Allele origin: unknown. Affected: yes. Study: The Canadian Open Genetics Repository (COGR). Not counted in ClinVar's aggregate classification.
Comment: The OTOF p.R14W variant was not identified in the literature but was identified in dbSNP (ID: rs774530840) and ClinVar (classified as uncertain significance by EGL Genetic Diagnostics). The variant was identified in control databases in 25 of 282614 chromosomes at a frequency of 0.00008846 (Genome Aggregation Database March 6, 2019, v2.1.1). The p.R14 residue is conserved in mammals and computational analyses (MUT Assesor, PolyPhen-2, SIFT, MutationTaster, Revel, FATHMM, MetaLR, DANN) suggest that the variant may impact the protein; however this information is not predictive enough to assume pathogenicity. The variant occurs outside of the splicing consensus sequence and in silico or computational prediction software programs (Splice AI exome) do not predict a deleterious effect on splicing. In summary, based on the above information the clinical significance of this variant cannot be determined with certainty at this time. This variant is classified as a variant of uncertain significance.